The following is an entry in ClinVar:

NM_000085.5(CLCNKB):c.86G>A (p.Arg29His)

Gene: CLCNKB (chloride voltage-gated channel Kb; plus strand). Cytogenetic location: 1p36.13.
Variant type: single nucleotide variant.
Coding change: c.86G>A on transcript NM_000085.5 (MANE Select); coding-DNA position 86, G replaced by A.
Protein change: p.Arg29His; replaces arginine 29 with histidine.
Molecular consequence: missense variant.
Genome position (GRCh38, 1-based): chr1:16,044,578, G>A. VCF-style: chr1-16044578-G-A. GRCh37 (hg19) VCF-style: chr1-16371073-G-A.
Other names: short protein forms R29H.
Identifiers: ClinVar variation 2049817 (VCV002049817.4), dbSNP rs544582273, ClinGen allele CA623152.

ClinVar aggregate classification (germline): Uncertain significance. Review status: criteria provided, multiple submitters, no conflicts (2 of 4 stars). 2 submissions from 2 submitters: Uncertain significance (2). Last evaluated 2024-12-04.

Conditions:
Bartter disease type 3. Also called: Bartter syndrome type 3. Identifiers: Orphanet 112, Orphanet 93605, MedGen C1846343, MONDO:0011822, OMIM 607364.
Bartter disease type 4B. Also called: BARTTER SYNDROME, TYPE 4B, NEONATAL, WITH SENSORINEURAL DEAFNESS; BARTTER SYNDROME, TYPE 4B; Bartter syndrome, type 4b, digenic. Identifiers: Orphanet 112, MedGen C4310805, MONDO:0000909, OMIM 613090.

Allele frequency attached by ClinVar (database versions not stated): ExAC 0.00001; TOPMed 0.00009; gnomAD 0.00010; 1000 Genomes Project 30x 0.00016; 1000 Genomes Project 0.00020.

Submissions (2):

Labcorp Genetics (formerly Invitae), Labcorp
Classification: Uncertain significance. Last evaluated: 2024-12-04. Review status: criteria provided, single submitter. Criteria: Invitae Variant Classification Sherloc (09022015). Collection method: clinical testing. Allele origin: germline.
Comment: This sequence change replaces arginine, which is basic and polar, with histidine, which is basic and polar, at codon 29 of the CLCNKB protein (p.Arg29His). The frequency data for this variant in the population databases is considered unreliable, as metrics indicate poor data quality at this position in the gnomAD database. This variant has not been reported in the literature in individuals affected with CLCNKB-related conditions. ClinVar contains an entry for this variant (Variation ID: 2049817). Invitae Evidence Modeling of protein sequence and biophysical properties (such as structural, functional, and spatial information, amino acid conservation, physicochemical variation, residue mobility, and thermodynamic stability) has been performed for this missense variant. However, the output from this modeling did not meet the statistical confidence thresholds required to predict the impact of this variant on CLCNKB protein function. In summary, the available evidence is currently insufficient to determine the role of this variant in disease. Therefore, it has been classified as a Variant of Uncertain Significance.

Fulgent Genetics
Classification: Uncertain significance for Bartter disease type 3; Bartter disease type 4B. Last evaluated: 2024-03-11. Review status: criteria provided, single submitter. Criteria: ACMG Guidelines, 2015. Collection method: clinical testing. Allele origin: germline.